The following is an entry in ClinVar:

NM_005228.5(EGFR):c.2368A>T (p.Thr790Ser)

Genes: EGFR-AS1 (EGFR antisense RNA 1; minus strand), EGFR (epidermal growth factor receptor; plus strand). Cytogenetic location: 7p11.2.
Variant type: single nucleotide variant.
Coding change: c.2368A>T on transcript NM_005228.5 (MANE Select); coding-DNA position 2368, A replaced by T.
Protein change: p.Thr790Ser; replaces threonine 790 with serine.
Molecular consequence: missense variant. On other transcripts: non-coding transcript variant (1).
Genome position (GRCh38, 1-based): chr7:55,181,377, A>T. VCF-style: chr7-55181377-A-T. GRCh37 (hg19) VCF-style: chr7-55249070-A-T.
Other names: c.2233A>T, p.Thr745Ser (NM_001346897.2, NM_001346899.2); c.2368A>T, p.Thr790Ser (NM_001346898.2); c.2209A>T, p.Thr737Ser (NM_001346900.2); c.1567A>T, p.Thr523Ser (NM_001346941.2); short protein forms T523S, T745S, T790S, T737S.
Identifiers: ClinVar variation 2906832 (VCV002906832.4), dbSNP rs2128958643, ClinGen allele CA367578851.

ClinVar aggregate classification (germline): Uncertain significance. Review status: criteria provided, multiple submitters, no conflicts (2 of 4 stars). 2 submissions from 2 submitters: Uncertain significance (2). Last evaluated 2025-10-31.

Conditions:
Hereditary cancer-predisposing syndrome. Also called: Hereditary Cancer Syndrome; Hereditary neoplastic syndrome; Tumor predisposition; Neoplastic Syndromes, Hereditary. Identifiers: Orphanet 140162, MedGen C0027672, MeSH D009386, MONDO:0015356.
EGFR-related lung cancer (EGFR). Identifiers: MedGen CN130014.

Submissions (2):

Ambry Genetics
Classification: Uncertain significance for Hereditary cancer-predisposing syndrome. Last evaluated: 2025-10-31. Review status: criteria provided, single submitter. Criteria: Ambry Variant Classification Scheme 2023. Collection method: clinical testing. Allele origin: germline.
Comment: The p.T790S variant (also known as c.2368A>T), located in coding exon 20 of the EGFR gene, results from an A to T substitution at nucleotide position 2368. The threonine at codon 790 is replaced by serine, an amino acid with similar properties. This amino acid position is highly conserved in available vertebrate species. In addition, the in silico prediction for this alteration is inconclusive. Based on the available evidence, the clinical significance of this variant remains unclear.

Labcorp Genetics (formerly Invitae), Labcorp
Classification: Uncertain significance for EGFR-related lung cancer. Last evaluated: 2023-02-16. Review status: criteria provided, single submitter. Criteria: Invitae Variant Classification Sherloc (09022015). Collection method: clinical testing. Allele origin: germline.
Comment: In summary, the available evidence is currently insufficient to determine the role of this variant in disease. Therefore, it has been classified as a Variant of Uncertain Significance. This variant disrupts the p.Thr790 amino acid residue in EGFR. Other variant(s) that disrupt this residue have been determined to be pathogenic (PMID: 16258541, 21252721, 23540867, 24736066, 24736080, 26700910). This suggests that this residue is clinically significant, and that variants that disrupt this residue are likely to be disease-causing. Advanced modeling of protein sequence and biophysical properties (such as structural, functional, and spatial information, amino acid conservation, physicochemical variation, residue mobility, and thermodynamic stability) performed at Invitae indicates that this missense variant is not expected to disrupt EGFR protein function. This variant has not been reported in the literature in individuals affected with EGFR-related conditions. This variant is not present in population databases (gnomAD no frequency). This sequence change replaces threonine, which is neutral and polar, with serine, which is neutral and polar, at codon 790 of the EGFR protein (p.Thr790Ser).

Literature cited by the submitters: PubMed 16258541 (cited by Labcorp Genetics (formerly Invitae), Labcorp); PubMed 21252721 (cited by Labcorp Genetics (formerly Invitae), Labcorp); PubMed 23540867 (cited by Labcorp Genetics (formerly Invitae), Labcorp); PubMed 24736066 (cited by Labcorp Genetics (formerly Invitae), Labcorp); PubMed 24736080 (cited by Labcorp Genetics (formerly Invitae), Labcorp); PubMed 26700910 (cited by Labcorp Genetics (formerly Invitae), Labcorp).